The following is an entry in ClinVar:

NM_001851.6(COL9A1):c.876+76G>T

Gene: COL9A1 (collagen type IX alpha 1 chain; minus strand). Cytogenetic location: 6q13.
Variant type: single nucleotide variant.
Coding change: c.876+76G>T on transcript NM_001851.6 (MANE Select); 76 bases into the intron after coding-DNA position 876, G replaced by T.
Molecular consequence: intron variant.
Genome position (GRCh38, 1-based): chr6:70,281,314, C>A on the plus strand (G>T on the coding strand, the complement: COL9A1 is on the minus strand). VCF-style: chr6-70281314-C-A. GRCh37 (hg19) VCF-style: chr6-70991017-C-A.
Other names: c.876+76G>T (NM_001377291.1); c.147+76G>T (NM_001377290.1, NM_078485.4, NM_001377289.1).
Identifiers: ClinVar variation 677990 (VCV000677990.1), dbSNP rs6934633, ClinGen allele CA140819823.
Genomic context (GRCh38, chr6:70,281,314, plus strand): 5'-CTGCCTTTAAGTGGGGTGGCAGGAAGGGGAGACCCTGGTCCTCTCTGAAAAAAAAAAAAA[C>A]CCCACAGGAGCCCTGGGAAAAGAATAGGAAAGGGCAGGACTGGGGAACAGAGGTGGCCTG-3'

ClinVar aggregate classification (germline): Likely benign (1 of 4 stars; one submission).

Allele frequency attached by ClinVar (database versions not stated): gnomAD exomes 0.00077; gnomAD 0.00412 and 0.00446; TOPMed 0.00477; 1000 Genomes Project 0.03115.
gnomAD v4.1: 1,509 of 1,295,916 alleles (0.12%); highest among the groups gnomAD compares: African/African-American, 1.4%; 5 homozygotes.

Submission:

GeneDx
Classification: Likely benign. Last evaluated: 2018-06-19. Review status: criteria provided, single submitter. Criteria: GeneDx Variant Classification (06012015). Collection method: clinical testing. Allele origin: germline. Affected: yes.
Comment: This variant is considered likely benign or benign based on one or more of the following criteria: it is a conservative change, it occurs at a poorly conserved position in the protein, it is predicted to be benign by multiple in silico algorithms, and/or has population frequency not consistent with disease.